The following is an entry in ClinVar:

NM_001374828.1(ARID1B):c.4479+2T>C

Gene: ARID1B (AT-rich interaction domain 1B; plus strand). Cytogenetic location: 6q25.3.
Variant type: single nucleotide variant.
Coding change: c.4479+2T>C on transcript NM_001374828.1 (MANE Select); the canonical splice donor site of the intron after coding-DNA position 4479, T replaced by C.
Molecular consequence: splice donor variant.
Genome position (GRCh38, 1-based): chr6:157,198,909, T>C. VCF-style: chr6-157198909-T-C. GRCh37 (hg19) VCF-style: chr6-157520043-T-C.
Other names: c.4359+2T>C (NM_001371656.1, NM_001374820.1); c.4320+2T>C (NM_017519.3); c.1980+2T>C (NM_001363725.2).
Identifiers: ClinVar variation 3376426 (VCV003376426.1).

ClinVar aggregate classification (germline): Pathogenic (1 of 4 stars; one submission).

Conditions:
Coffin-Siris syndrome 1 (CSS1). Also called: ARID1B-Related Coffin-Siris Syndrome; Mental retardation, autosomal dominant 12. Identifiers: Orphanet 1465, MedGen C3281201, MONDO:0007617, OMIM 135900. Disease mechanism: gain of function.

Submission:

Pittsburgh Clinical Genomics Laboratory, University of Pittsburgh Medical Center
Classification: Pathogenic for Coffin-Siris syndrome 1. Last evaluated: 2024-06-19. Review status: criteria provided, single submitter. Criteria: ACMG Guidelines, 2015. Collection method: clinical testing. Allele origin: germline. Inheritance: Autosomal dominant inheritance. Affected: yes.
Comment: This sequence variant is a single nucleotide substitution (T>C) 2 bases past the end of exon 17 at coding position 1980+2 in the ARID1B gene. This variant occurs in the intron 17 canonical donor splice site. This variant is absent from ClinVar and has not been observed in individuals affected by Coffin-Siris syndrome 1 in the published literature, to our knowledge. This variant is absent from the gnomAD v4.1.0 population database (0 of approximately 1,600,000 alleles). Multiple in silico splice tools predict that this T to C base change will disrupt splicing, and the nucleotide at this position is highly conserved across the vertebrate species examined. Studies examining the functional consequence of this variant have not been published, to our knowledge. Haploinsufficiency in ARID1B is a known mechanism of disease (PMID: 31132234 ). Based upon the evidence, we consider this variant to be pathogenic. ACMG Criteria: PM2, PS2, PVS1

Literature cited by the submitters: PubMed 31132234.